The following is an entry in ClinVar:

ClinVar aggregate classification (germline): Uncertain significance (1 of 4 stars; one submission).

Conditions:
Duchenne muscular dystrophy (DMD). Also called: MUSCULAR DYSTROPHY, PSEUDOHYPERTROPHIC PROGRESSIVE, DUCHENNE TYPE; Duchenne Muscular Dystrophy (DMD). Identifiers: Orphanet 98896, MedGen C0013264, MONDO:0010679, OMIM 310200.

gnomAD v4.1: 3 of 1,209,046 alleles (0.00025%); highest among the groups gnomAD compares: Non-Finnish European, 0.00022%; no homozygotes.

Submission:

Labcorp Genetics (formerly Invitae), Labcorp
Classification: Uncertain significance for Duchenne muscular dystrophy. Last evaluated: 2024-03-18. Review status: criteria provided, single submitter. Criteria: Invitae Variant Classification Sherloc (09022015). Collection method: clinical testing. Allele origin: germline.
Comment: This sequence change replaces glutamic acid, which is acidic and polar, with alanine, which is neutral and non-polar, at codon 2854 of the DMD protein (p.Glu2854Ala). This variant is not present in population databases (gnomAD no frequency). This variant has not been reported in the literature in individuals affected with DMD-related conditions. Advanced modeling of protein sequence and biophysical properties (such as structural, functional, and spatial information, amino acid conservation, physicochemical variation, residue mobility, and thermodynamic stability) performed at Invitae indicates that this missense variant is not expected to disrupt DMD protein function with a negative predictive value of 95%. In summary, the available evidence is currently insufficient to determine the role of this variant in disease. Therefore, it has been classified as a Variant of Uncertain Significance.

NM_004006.3(DMD):c.8561A>C (p.Glu2854Ala)

Gene: DMD (dystrophin; minus strand). Cytogenetic location: Xp21.2.
Variant type: single nucleotide variant.
Coding change: c.8561A>C on transcript NM_004006.3 (MANE Select); coding-DNA position 8561, A replaced by C.
Protein change: p.Glu2854Ala; replaces glutamic acid 2854 with alanine.
Molecular consequence: missense variant.
Genome position (GRCh38, 1-based): chrX:31,479,090, T>G on the plus strand (A>C on the coding strand, the complement: DMD is on the minus strand). VCF-style: chrX-31479090-T-G. GRCh37 (hg19) VCF-style: chrX-31497207-T-G.
Other names: c.8537A>C, p.Glu2846Ala (NM_000109.4); c.8549A>C, p.Glu2850Ala (NM_004009.3); c.8192A>C, p.Glu2731Ala (NM_004010.3); c.4538A>C, p.Glu1513Ala (NM_004011.4); c.4529A>C, p.Glu1510Ala (NM_004012.4); c.1181A>C, p.Glu394Ala (NM_004013.3, NM_004020.4, NM_004021.3 and 2 more transcripts); c.374A>C, p.Glu125Ala (NM_004014.3); short protein forms E1513A, E2731A, E2846A, E125A, E1510A, E2850A, E2854A, E394A.
Identifiers: ClinVar variation 3714641 (VCV003714641.2).